The following is an entry in ClinVar:

ClinVar aggregate classification (germline): Uncertain significance (0 of 4 stars; one submission).

Conditions:
ZNF142-related disorder. Also called: ZNF142-related condition.

gnomAD v4.1: 2 of 1,614,048 alleles (0.00012%); highest among the groups gnomAD compares: East Asian, 0.0045%; no homozygotes.

Submission:

PreventionGenetics, part of Exact Sciences
Classification: Uncertain significance for ZNF142-related condition. Last evaluated: 2024-09-21. Review status: no assertion criteria provided. Collection method: clinical testing. Allele origin: germline.
Comment: The ZNF142 c.1742G>C variant is predicted to result in the amino acid substitution p.Arg581Pro. To our knowledge, this variant has not been reported in the literature. A different amino acid substitution at this position (p.Arg581Cys) has been reported in the compound heterozygous state with a nonsense variant in a patient with ZNF142-related disorder (Kamal et al 2022. PubMed ID: 35618198). This variant is reported in 0.015% of alleles in individuals of East Asian descent in gnomAD. At this time, the clinical significance of this variant is uncertain due to the absence of conclusive functional and genetic evidence.

NM_001379659.1(ZNF142):c.2342G>C (p.Arg781Pro)

Gene: ZNF142 (zinc finger protein 142; minus strand). Cytogenetic location: 2q35.
Variant type: single nucleotide variant.
Coding change: c.2342G>C on transcript NM_001379659.1 (MANE Select); coding-DNA position 2342, G replaced by C.
Protein change: p.Arg781Pro; replaces arginine 781 with proline.
Molecular consequence: missense variant.
Genome position (GRCh38, 1-based): chr2:218,644,774, C>G on the plus strand (G>C on the coding strand, the complement: ZNF142 is on the minus strand). VCF-style: chr2-218644774-C-G. GRCh37 (hg19) VCF-style: chr2-219509497-C-G.
Other names: c.1742G>C, p.Arg581Pro (NM_001105537.5, NM_001379662.1, NM_001366291.3); c.2342G>C, p.Arg781Pro (NM_001379660.1, NM_001379661.1, NM_001366290.3); c.1253G>C, p.Arg418Pro (NM_001366287.3, NM_001366288.3, NM_001366289.3); short protein forms R418P, R581P, R781P.
Identifiers: ClinVar variation 3354630 (VCV003354630.1).